The following is an entry in ClinVar:

ClinVar aggregate classification (germline): Uncertain significance. Review status: criteria provided, multiple submitters, no conflicts (2 of 4 stars). 4 submissions from 4 submitters: Uncertain significance (4). Last evaluated 2026-01-05.

Conditions:
Dilated cardiomyopathy 1JJ (CMD1JJ). Identifiers: Orphanet 154, MedGen C3808935, MONDO:0014095, OMIM 615235.
Cardiovascular phenotype. Identifiers: MedGen CN230736.

Allele frequency attached by ClinVar (database versions not stated): gnomAD exomes 0.00004 and 0.00002; ESP Exome Variant Server 0.00008; gnomAD 0.00001; TOPMed 0.00002.

Submissions (4):

Labcorp Genetics (formerly Invitae), Labcorp
Classification: Uncertain significance for Dilated cardiomyopathy 1JJ. Last evaluated: 2026-01-05. Review status: criteria provided, single submitter. Criteria: Invitae Variant Classification Sherloc (09022015). Collection method: clinical testing. Allele origin: germline.
Comment: This sequence change creates a premature translational stop signal (p.Gln45Lysfs*153) in the LAMA4 gene. It is expected to result in an absent or disrupted protein product. However, the current clinical and genetic evidence is not sufficient to establish whether loss-of-function variants in LAMA4 cause disease. This variant is present in population databases (no rsID available, gnomAD 0.005%). This variant has not been reported in the literature in individuals affected with LAMA4-related conditions. ClinVar contains an entry for this variant (Variation ID: 1036456). In summary, the available evidence is currently insufficient to determine the role of this variant in disease. Therefore, it has been classified as a Variant of Uncertain Significance.

Ambry Genetics
Classification: Uncertain significance for Cardiovascular phenotype. Last evaluated: 2025-03-28. Review status: criteria provided, single submitter. Criteria: Ambry Variant Classification Scheme 2023. Collection method: clinical testing. Allele origin: germline.
Comment: The c.133delC variant, located in coding exon 1 of the LAMA4 gene, results from a deletion of one nucleotide at nucleotide position 133, causing a translational frameshift with a predicted alternate stop codon (p.Q45Kfs*153). This alteration is expected to result in premature protein truncation or nonsense-mediated mRNA decay. However, loss of function of LAMA4 has not been clearly established as a mechanism of disease, and the evidence for this gene-disease relationship is limited; therefore, the clinical significance of this alteration is unclear.

GeneDx
Classification: Uncertain significance. Last evaluated: 2024-12-31. Review status: criteria provided, single submitter. Criteria: GeneDx Variant Classification Process June 2021. Collection method: clinical testing. Allele origin: germline.
Comment: Has not been previously published as pathogenic or benign to our knowledge; Not observed at significant frequency in large population cohorts (gnomAD); Frameshift variant predicted to result in protein truncation or nonsense mediated decay in a gene or region of a gene for which loss of function is not a well-established mechanism of disease

Fulgent Genetics
Classification: Uncertain significance for Dilated cardiomyopathy 1JJ. Last evaluated: 2021-10-05. Review status: criteria provided, single submitter. Criteria: ACMG Guidelines, 2015. Collection method: clinical testing. Allele origin: unknown.

NM_001105206.3(LAMA4):c.133del (p.Gln45fs)

Genes: LAMA4-AS1 (LAMA4 antisense RNA 1; plus strand), LAMA4 (laminin subunit alpha 4; minus strand). Cytogenetic location: 6q21.
Variant type: Deletion.
Coding change: c.133del on transcript NM_001105206.3 (MANE Select); coding-DNA position 133, one base deleted (C; older notation c.133delC).
Protein change: p.Gln45fs; shifts the reading frame from glutamine 45.
Molecular consequence: frameshift variant.
Genome position (GRCh38, 1-based): chr6:112,254,018, G deleted on the plus strand (C on the coding strand, the reverse complement: LAMA4 is on the minus strand). VCF-style (leftmost placement, unchanged base first): chr6-112254017-TG-T. GRCh37 (hg19) VCF-style: chr6-112575219-TG-T.
Other names: c.133del, p.Gln45fs (NM_001105207.3, NM_001105208.3, NM_001105209.3 and 1 more transcripts); c.133delC (NM_002290.3); c.133del (NM_002290.3); short protein forms Q45fs.
Identifiers: ClinVar variation 1036456 (VCV001036456.12), dbSNP rs1341828711, ClinGen allele CA451907750.